The following is an entry in ClinVar:

NM_000136.3(FANCC):c.447G>C (p.Leu149Phe)

Gene: FANCC (FA complementation group C; minus strand). Cytogenetic location: 9q22.32.
Variant type: single nucleotide variant.
Coding change: c.447G>C on transcript NM_000136.3 (MANE Select); coding-DNA position 447, G replaced by C.
Protein change: p.Leu149Phe; replaces leucine 149 with phenylalanine.
Molecular consequence: missense variant.
Genome position (GRCh38, 1-based): chr9:95,172,046, C>G on the plus strand (G>C on the coding strand, the complement: FANCC is on the minus strand). VCF-style: chr9-95172046-C-G. GRCh37 (hg19) VCF-style: chr9-97934328-C-G.
Other names: c.447G>C, p.Leu149Phe (NM_001243743.2, NM_001243744.2); short protein forms L149F.
Identifiers: ClinVar variation 4842784 (VCV004842784.1).

ClinVar aggregate classification (germline): Uncertain significance (1 of 4 stars; one submission).

Conditions:
Hereditary cancer-predisposing syndrome. Also called: Neoplastic Syndromes, Hereditary; Tumor predisposition; Hereditary Cancer Syndrome; Hereditary neoplastic syndrome. Identifiers: Orphanet 140162, MedGen C0027672, MeSH D009386, MONDO:0015356.

Submission:

Ambry Genetics
Classification: Uncertain significance for Hereditary cancer-predisposing syndrome. Last evaluated: 2025-12-20. Review status: criteria provided, single submitter. Criteria: Ambry Variant Classification Scheme 2023. Collection method: clinical testing. Allele origin: germline.
Comment: The p.L149F variant (also known as c.447G>C), located in coding exon 4 of the FANCC gene, results from a G to C substitution at nucleotide position 447. The leucine at codon 149 is replaced by phenylalanine, an amino acid with highly similar properties. This amino acid position is conserved. In addition, the in silico prediction for this alteration is inconclusive. Based on the available evidence, the clinical significance of this variant remains unclear.